The following is an entry in ClinVar:

ClinVar aggregate classification (germline): Likely pathogenic (1 of 4 stars; one submission).

Submission:

GeneDx
Classification: Likely pathogenic. Last evaluated: 2017-11-30. Review status: criteria provided, single submitter. Criteria: GeneDx Variant Classification (06012015). Collection method: clinical testing. Allele origin: germline. Affected: yes.
Comment: The c.711_714+4delACAGGTGT variant in the HACE1 gene has not been reported previously as a pathogenic variant nor as a benign variant, to our knowledge. This variant results in the deletion of eight nucleotides at the exon 8/intron 8 boundary, which destroys the canonical splice donor site in intron 8. It is predicted to cause abnormal gene splicing, either leading to an abnormal message that is subject to nonsense-mediated mRNA decay, or to an abnormal protein product if the message is used for protein translation. The c.711_714+4delACAGGTGT variant is not observed in large population cohorts (Lek et al., 2016). We interpret c.711_714+4delACAGGTGT as a likely pathogenic variant.

NM_020771.4(HACE1):c.711_714+4del

Gene: HACE1 (HECT domain and ankyrin repeat containing E3 ubiquitin protein ligase 1; minus strand). Cytogenetic location: 6q16.3.
Variant type: Deletion.
Coding change: c.711_714+4del on transcript NM_020771.4 (MANE Select); coding-DNA position 711 through 4 bases into the intron after coding-DNA position 714, 8 bases deleted (ACAGGTGT; older notation c.711_714+4delACAGGTGT).
Molecular consequence: splice donor variant.
Genome position (GRCh38, 1-based): chr6:104,796,925-104,796,932, ACACCTGT deleted on the plus strand (ACAGGTGT on the coding strand, the reverse complement: HACE1 is on the minus strand); deleting any 8 consecutive bases within chr6:104,796,925-104,796,936 gives the same sequence; the c. name uses the placement nearest the transcript's 3' end. VCF-style (leftmost placement, unchanged base first): chr6-104796924-CACACCTGT-C. GRCh37 (hg19) VCF-style: chr6-105244799-CACACCTGT-C.
Other names: c.420_423+4del (NM_001350555.2); c.-73_-70+4del (NM_001350560.2); c.207_210+4del (NM_001350557.2, NM_001350558.2, NM_001321084.2); c.225_228+4del (NM_001350556.2); c.129_132+4del (NM_001350559.2); c.579_582+4del (NM_001321080.2); c.477_480+4del (NM_001350554.2); c.609_612+4del (NM_001321083.2); and 1 more.
Identifiers: ClinVar variation 503901 (VCV000503901.2), dbSNP rs1554245388, ClinGen allele CA658796798.